The following is an entry in ClinVar:

ClinVar aggregate classification (germline): Uncertain significance (1 of 4 stars; one submission).

Conditions:
Autosomal recessive nonsyndromic hearing loss 61. Identifiers: Orphanet 90636, MedGen C3151230, MONDO:0013471, OMIM 613865.

gnomAD v4.1: 1 of 1,613,772 alleles (0.000062%); highest among the groups gnomAD compares: Non-Finnish European, 0.000085%; no homozygotes.

Submission:

Juno Genomics, Hangzhou Juno Genomics, Inc
Classification: Uncertain significance for Autosomal recessive nonsyndromic hearing loss 61. Review status: criteria provided, single submitter. Criteria: ACMG Guidelines, 2015. Collection method: clinical testing. Allele origin: germline.
Comment: Absent from controls (or at extremely low frequency if recessive) in Genome Aggregation Database.;Multiple lines of computational evidence support a deleterious effect on the gene or gene product.

NM_198999.3(SLC26A5):c.1550C>T (p.Thr517Ile)

Gene: SLC26A5 (solute carrier family 26 member 5; minus strand). Cytogenetic location: 7q22.1.
Variant type: single nucleotide variant.
Coding change: c.1550C>T on transcript NM_198999.3 (MANE Select); coding-DNA position 1550, C replaced by T.
Protein change: p.Thr517Ile; replaces threonine 517 with isoleucine.
Molecular consequence: missense variant. On other transcripts: non-coding transcript variant (1), intron variant (2).
Genome position (GRCh38, 1-based): chr7:103,380,514, G>A on the plus strand (C>T on the coding strand, the complement: SLC26A5 is on the minus strand). VCF-style: chr7-103380514-G-A. GRCh37 (hg19) VCF-style: chr7-103020961-G-A.
Other names: c.1454C>T, p.Thr485Ile (NM_001167962.2, NM_001321787.2); c.1550C>T, p.Thr517Ile (NM_206883.3); c.971+17418C>T (NM_206885.3); c.1514+8494C>T (NM_206884.3); short protein forms T485I, T517I.
Identifiers: ClinVar variation 5007117 (VCV005007117.2).